The following is an entry in ClinVar:

NM_172250.3(MMAA):c.562+4A>C

Gene: MMAA (metabolism of cobalamin associated A; plus strand). Cytogenetic location: 4q31.21.
Variant type: single nucleotide variant.
Coding change: c.562+4A>C on transcript NM_172250.3 (MANE Select); 4 bases into the intron after coding-DNA position 562, A replaced by C.
Molecular consequence: intron variant.
Genome position (GRCh38, 1-based): chr4:145,642,489, A>C. VCF-style: chr4-145642489-A-C. GRCh37 (hg19) VCF-style: chr4-146563641-A-C.
Other names: c.562+4A>C (NM_001375644.1).
Identifiers: ClinVar variation 1061795 (VCV001061795.5), dbSNP rs1336573288, ClinGen allele CA441476634.

ClinVar aggregate classification (germline): Uncertain significance. Review status: criteria provided, single submitter (1 of 4 stars). 2 submissions from 2 submitters: Uncertain significance (1). 1 of the submissions does not count toward it. Last evaluated 2022-05-13.

Conditions:
Methylmalonic aciduria, cblA type (MACA). Also called: Methylmalonic aciduria, vitamin B12-responsive; Vitamin B12-responsive methylmalonic acidemia type cblA; Methylmalonic aciduria, vitamin b12-responsive, due to defect in synthesis of adenosylcobalamin, cbla complementation type; MMA cbl A type; Methylmalonic acidemia cblA type. Identifiers: Orphanet 28, Orphanet 79310, MedGen C1855109, MONDO:0009613, OMIM 251100.

Submissions (2):

Labcorp Genetics (formerly Invitae), Labcorp
Classification: Uncertain significance for Methylmalonic aciduria, cblA type. Last evaluated: 2022-05-13. Review status: criteria provided, single submitter. Criteria: Invitae Variant Classification Sherloc (09022015). Collection method: clinical testing. Allele origin: germline.
Comment: This sequence change falls in intron 3 of the MMAA gene. It does not directly change the encoded amino acid sequence of the MMAA protein. It affects a nucleotide within the consensus splice site. This variant is not present in population databases (gnomAD no frequency). This variant has not been reported in the literature in individuals affected with MMAA-related conditions. ClinVar contains an entry for this variant (Variation ID: 1061795). Variants that disrupt the consensus splice site are a relatively common cause of aberrant splicing (PMID: 17576681, 9536098). Algorithms developed to predict the effect of sequence changes on RNA splicing suggest that this variant may disrupt the consensus splice site. In summary, the available evidence is currently insufficient to determine the role of this variant in disease. Therefore, it has been classified as a Variant of Uncertain Significance.

Natera, Inc.
Classification: Uncertain significance for Methylmalonic aciduria cblA type. Last evaluated: 2020-03-03. Review status: no assertion criteria provided. Collection method: clinical testing. Allele origin: germline. Not counted in ClinVar's aggregate classification.

Literature cited by the submitters: PubMed 17576681 (cited by Labcorp Genetics (formerly Invitae), Labcorp); PubMed 9536098 (cited by Labcorp Genetics (formerly Invitae), Labcorp).